The following is an entry in ClinVar:

NM_000051.4(ATM):c.8357del (p.Gly2786fs)

Genes: ATM (ATM serine/threonine kinase; plus strand), C11orf65 (chromosome 11 open reading frame 65; minus strand). Cytogenetic location: 11q22.3.
Variant type: Deletion.
Coding change: c.8357del on transcript NM_000051.4 (MANE Select); coding-DNA position 8357, one base deleted (G; older notation c.8357delG).
Protein change: p.Gly2786fs; shifts the reading frame from glycine 2786.
Molecular consequence: frameshift variant. On other transcripts: intron variant (2).
Genome position (GRCh38, 1-based): chr11:108,343,310, G deleted; the last of 2 consecutive G bases (chr11:108,343,309-108,343,310); deleting either gives the same sequence. VCF-style (leftmost placement, unchanged base first): chr11-108343308-TG-T. GRCh37 (hg19) VCF-style: chr11-108214035-TG-T.
Other names: c.8357del, p.Gly2786fs (NM_001351834.2); c.641-34238del (NM_001330368.2); c.695-8017del (NM_001351110.2); short protein forms G2786fs.
Identifiers: ClinVar variation 1418093 (VCV001418093.8), dbSNP rs2136948126, ClinGen allele CA2573146738.

ClinVar aggregate classification (germline): Pathogenic (1 of 4 stars; one submission).

Conditions:
Ataxia-telangiectasia syndrome (AT). Also called: Ataxia-telangiectasia; LOUIS-BAR SYNDROME; Ataxia-telangiectasia, complementation group D; AT, COMPLEMENTATION GROUP C; ATAXIA-TELANGIECTASIA, COMPLEMENTATION GROUP A; ATAXIA-TELANGIECTASIA, FRESNO VARIANT. Identifiers: Orphanet 100, MedGen C0004135, MONDO:0008840, OMIM 208900.

Submission:

Labcorp Genetics (formerly Invitae), Labcorp
Classification: Pathogenic for Ataxia-telangiectasia syndrome. Last evaluated: 2021-09-30. Review status: criteria provided, single submitter. Criteria: Invitae Variant Classification Sherloc (09022015). Collection method: clinical testing. Allele origin: germline.
Comment: This variant is not present in population databases (ExAC no frequency). This sequence change creates a premature translational stop signal (p.Gly2786Valfs*20) in the ATM gene. It is expected to result in an absent or disrupted protein product. Loss-of-function variants in ATM are known to be pathogenic (PMID: 23807571, 25614872). This variant has not been reported in the literature in individuals affected with ATM-related conditions. For these reasons, this variant has been classified as Pathogenic.

Literature cited by the submitters: PubMed 23807571; PubMed 25614872.